The following is an entry in ClinVar:

ClinVar aggregate classification (germline): Likely pathogenic (0 of 4 stars; one submission).

Conditions:
SMAD6-related disease. Also called: SMAD6-related disorder; SMAD6-related condition. Identifiers: MedGen CN381596, MONDO:0700324.

Submission:

PreventionGenetics, part of Exact Sciences
Classification: Likely pathogenic for SMAD6-related condition. Last evaluated: 2024-05-28. Review status: no assertion criteria provided. Collection method: clinical testing. Allele origin: germline.
Comment: The SMAD6 c.553delG variant is predicted to result in a frameshift and premature protein termination (p.Glu185Serfs*57). To our knowledge, this variant has not been reported in the literature or in a large population database, indicating this variant is rare. Frameshift variants in SMAD6 are expected to be pathogenic. This variant is interpreted as likely pathogenic.

NM_005585.5(SMAD6):c.553del (p.Glu185fs)

Gene: SMAD6 (SMAD family member 6; plus strand). Cytogenetic location: 15q22.31.
Variant type: Deletion.
Coding change: c.553del on transcript NM_005585.5 (MANE Select); coding-DNA position 553, one base deleted (G; older notation c.553delG).
Protein change: p.Glu185fs; shifts the reading frame from glutamic acid 185.
Molecular consequence: frameshift variant. On other transcripts: non-coding transcript variant (1).
Genome position (GRCh38, 1-based): chr15:66,703,811, G deleted; the last of 2 consecutive G bases (chr15:66,703,810-66,703,811); deleting either gives the same sequence. VCF-style (leftmost placement, unchanged base first): chr15-66703809-AG-A. GRCh37 (hg19) VCF-style: chr15-66996147-AG-A.
Other names: short protein forms E185fs.
Identifiers: ClinVar variation 3345208 (VCV003345208.1).